The following is an entry in ClinVar:

ClinVar aggregate classification (germline): Uncertain significance (1 of 4 stars; one submission).

Allele frequency attached by ClinVar (database versions not stated): TOPMed below 0.00001; gnomAD 0.00001.
gnomAD v4.1: 1 of 1,614,006 alleles (0.000062%); highest among the groups gnomAD compares: Non-Finnish European, 0.000085%; no homozygotes.

Submission:

Labcorp Genetics (formerly Invitae), Labcorp
Classification: Uncertain significance. Last evaluated: 2025-04-16. Review status: criteria provided, single submitter. Criteria: Invitae Variant Classification Sherloc (09022015). Collection method: clinical testing. Allele origin: germline.
Comment: This sequence change replaces serine, which is neutral and polar, with glycine, which is neutral and non-polar, at codon 2661 of the VCAN protein (p.Ser2661Gly). This variant is not present in population databases (gnomAD no frequency). This variant has not been reported in the literature in individuals affected with VCAN-related conditions. ClinVar contains an entry for this variant (Variation ID: 2100266). An algorithm developed to predict the effect of missense changes on protein structure and function (PolyPhen-2) suggests that this variant is likely to be tolerated. In summary, the available evidence is currently insufficient to determine the role of this variant in disease. Therefore, it has been classified as a Variant of Uncertain Significance.

NM_004385.5(VCAN):c.7981A>G (p.Ser2661Gly)

Genes: VCAN (versican; plus strand), VCAN-AS1 (VCAN antisense RNA 1; minus strand). Cytogenetic location: 5q14.3.
Variant type: single nucleotide variant.
Coding change: c.7981A>G on transcript NM_004385.5 (MANE Select); coding-DNA position 7981, A replaced by G.
Protein change: p.Ser2661Gly; replaces serine 2661 with glycine.
Molecular consequence: missense variant. On other transcripts: intron variant (2).
Genome position (GRCh38, 1-based): chr5:83,540,984, A>G. VCF-style: chr5-83540984-A-G. GRCh37 (hg19) VCF-style: chr5-82836803-A-G.
Other names: c.5020A>G, p.Ser1674Gly (NM_001164097.2); c.4004-4553A>G (NM_001164098.2); c.1043-4553A>G (NM_001126336.3); short protein forms S2661G, S1674G.
Identifiers: ClinVar variation 2100266 (VCV002100266.4), dbSNP rs1402773257, ClinGen allele CA360315937.